The following is an entry in ClinVar:

NM_172166.4(MSH5):c.1840G>A (p.Val614Ile)

Genes: MSH5 (mutS homolog 5; plus strand), MSH5-SAPCD1 (MSH5-SAPCD1 readthrough (NMD candidate); plus strand). Cytogenetic location: 6p21.33.
Variant type: single nucleotide variant.
Coding change: c.1840G>A on transcript NM_172166.4 (MANE Select); coding-DNA position 1840, G replaced by A.
Protein change: p.Val614Ile; replaces valine 614 with isoleucine.
Molecular consequence: missense variant. On other transcripts: non-coding transcript variant (1).
Genome position (GRCh38, 1-based): chr6:31,760,717, G>A. VCF-style: chr6-31760717-G-A. GRCh37 (hg19) VCF-style: chr6-31728494-G-A.
Other names: c.1840G>A, p.Val614Ile (NM_002441.5, NM_172165.4); c.1891G>A, p.Val631Ile (NM_025259.6); short protein forms V614I, V631I.
Identifiers: ClinVar variation 3239406 (VCV003239406.19), dbSNP rs2537479982.

ClinVar aggregate classification (germline): Uncertain significance (1 of 4 stars; one submission).

Allele frequency attached by ClinVar (database versions not stated): gnomAD exomes below 0.00001.
gnomAD v4.1: 2 of 1,613,030 alleles (0.00012%); highest among the groups gnomAD compares: South Asian, 0.0011%; no homozygotes.

Submission:

CeGaT Center for Human Genetics Tuebingen
Classification: Uncertain significance. Last evaluated: 2024-05-01. Review status: criteria provided, single submitter. Criteria: CeGaT Center For Human Genetics Tuebingen Variant Classification Criteria Version 2. Collection method: clinical testing. Allele origin: germline. Affected: yes. Observed: 1 variant allele.
Comment: MSH5: PM2, BP4